The following is an entry in ClinVar:

ClinVar aggregate classification (germline): Uncertain significance (1 of 4 stars; one submission).

Conditions:
Familial Mediterranean fever (FMF). Also called: POLYSEROSITIS, FAMILIAL PAROXYSMAL; POLYSEROSITIS, RECURRENT; Periodic peritonitis; Benign paroxysmal peritonitis. Identifiers: Orphanet 342, MedGen C0031069, MONDO:0018088, OMIM 249100. Disease mechanism: gain of function.

Allele frequency attached by ClinVar (database versions not stated): gnomAD exomes below 0.00001; ExAC 0.00001.

Submission:

Labcorp Genetics (formerly Invitae), Labcorp
Classification: Uncertain significance for Familial Mediterranean fever. Last evaluated: 2019-07-09. Review status: criteria provided, single submitter. Criteria: Invitae Variant Classification Sherloc (09022015). Collection method: clinical testing. Allele origin: germline.
Comment: In summary, the available evidence is currently insufficient to determine the role of this variant in disease. Therefore, it has been classified as a Variant of Uncertain Significance. The current clinical and genetic evidence is not sufficient to establish whether loss-of-function variants in MEFV cause disease. This variant has not been reported in the literature in individuals with MEFV-related conditions. This variant is present in population databases (rs747811800, ExAC 0.001%). This sequence change creates a premature translational stop signal (p.Glu22Glyfs*30) in the MEFV gene. It is expected to result in an absent or disrupted protein product.

NM_000243.3(MEFV):c.65del (p.Glu22fs)

Gene: MEFV (MEFV innate immunity regulator, pyrin; minus strand). Cytogenetic location: 16p13.3.
Variant type: Deletion.
Coding change: c.65del on transcript NM_000243.3 (MANE Select); coding-DNA position 65, one base deleted (A; older notation c.65delA).
Protein change: p.Glu22fs; shifts the reading frame from glutamic acid 22.
Molecular consequence: frameshift variant.
Genome position (GRCh38, 1-based): chr16:3,256,523, T deleted on the plus strand (A on the coding strand, the reverse complement: MEFV is on the minus strand). VCF-style (leftmost placement, unchanged base first): chr16-3256522-CT-C. GRCh37 (hg19) VCF-style: chr16-3306522-CT-C.
Other names: c.65delA (NM_000243.2); c.65del, p.Glu22fs (NM_001198536.2); short protein forms E22fs.
Identifiers: ClinVar variation 644049 (VCV000644049.8), dbSNP rs747811800, ClinGen allele CA7860543.
Genomic context (GRCh38, chr16:3,256,522, plus strand): 5'-CCGGGGGATCCTGGAGTGCTCCTTCTGCACACTGGTGTTCTGCAGCTTGAACTTGAACTT[CT>C]CGAAGTCATAGGGCACCAGCTCCTCCAGGGTGGACAGCAGATGGTCACTAGGGGTCTTAG-3'